The following is an entry in ClinVar:

ClinVar aggregate classification (germline): Pathogenic/Likely pathogenic. Review status: criteria provided, multiple submitters, no conflicts (2 of 4 stars). 2 submissions from 2 submitters: Pathogenic (1); Likely pathogenic (1). Last evaluated 2024-02-08.

Conditions:
Fanconi anemia complementation group D2. Also called: FANCONI PANCYTOPENIA, TYPE 4; FANCONI ANEMIA, COMPLEMENTATION GROUP D; FANCD2-Related Fanconi Anemia. Identifiers: Orphanet 84, MedGen C3160738, MONDO:0009214, OMIM 227646.
Fanconi anemia (FA). Also called: Fanconi's anemia. Identifiers: Orphanet 84, MedGen C0015625, MeSH D005199, MONDO:0019391.

Submissions (2):

Baylor Genetics
Classification: Likely pathogenic for Fanconi anemia complementation group D2. Last evaluated: 2024-02-08. Review status: criteria provided, single submitter. Criteria: ACMG Guidelines, 2015. Collection method: clinical testing. Allele origin: unknown.

Labcorp Genetics (formerly Invitae), Labcorp
Classification: Pathogenic for Fanconi anemia. Last evaluated: 2023-07-22. Review status: criteria provided, single submitter. Criteria: Invitae Variant Classification Sherloc (09022015). Collection method: clinical testing. Allele origin: germline.
Comment: For these reasons, this variant has been classified as Pathogenic. This variant has not been reported in the literature in individuals affected with FANCD2-related conditions. This variant is not present in population databases (gnomAD no frequency). This sequence change creates a premature translational stop signal (p.Leu946*) in the FANCD2 gene. It is expected to result in an absent or disrupted protein product. Loss-of-function variants in FANCD2 are known to be pathogenic (PMID: 17436244).

Literature cited by the submitters: PubMed 17436244 (cited by Labcorp Genetics (formerly Invitae), Labcorp).

NM_001018115.3(FANCD2):c.2837del (p.Ile945_Leu946insTer)

Genes: FANCD2 (FA complementation group D2; plus strand), LOC107303338 (3p25 FANCD2 Alu-mediated recombination region; plus strand). Cytogenetic location: 3p25.3.
Variant type: Deletion.
Coding change: c.2837del on transcript NM_001018115.3 (MANE Select); coding-DNA position 2837, one base deleted (T; older notation c.2837delT).
Protein change: p.Ile945_Leu946insTer.
Molecular consequence: nonsense.
Genome position (GRCh38, 1-based): chr3:10,074,651, T deleted; the last of 2 consecutive T bases (chr3:10,074,650-10,074,651); deleting either gives the same sequence. VCF-style (leftmost placement, unchanged base first): chr3-10074649-CT-C. GRCh37 (hg19) VCF-style: chr3-10116333-CT-C.
Other names: c.2837del, p.Ile945_Leu946insTer (NM_001319984.2, NM_001374254.1, NM_033084.6); c.2726del, p.Ile908_Leu909insTer (NM_001374253.1).
Identifiers: ClinVar variation 2992224 (VCV002992224.4), dbSNP rs1693439187, ClinGen allele CA1345032591.
Genomic context (GRCh38, chr3:10,074,649, plus strand): 5'-CCGAGAGCTGGACATTGAGGTCTTCTCTATTCTACATTGTGGACTTGTGACGAAGTTCAT[CT>C]TAGATACTGAAATGCACACTGAAGTAAGTGACAGGCTAGGATCTCAGAATTTAATCTTCT-3'